The following is an entry in ClinVar:

ClinVar aggregate classification (germline): Uncertain significance (1 of 4 stars; one submission).

gnomAD v4.1: 2 of 1,614,218 alleles (0.00012%); highest among the groups gnomAD compares: Non-Finnish European, 0.000085%; no homozygotes.

Submission:

Labcorp Genetics (formerly Invitae), Labcorp
Classification: Uncertain significance. Last evaluated: 2022-07-12. Review status: criteria provided, single submitter. Criteria: Invitae Variant Classification Sherloc (09022015). Collection method: clinical testing. Allele origin: germline.
Comment: This sequence change replaces histidine, which is basic and polar, with arginine, which is basic and polar, at codon 1187 of the CAD protein (p.His1187Arg). In summary, the available evidence is currently insufficient to determine the role of this variant in disease. Therefore, it has been classified as a Variant of Uncertain Significance. Algorithms developed to predict the effect of missense changes on protein structure and function (SIFT, PolyPhen-2, Align-GVGD) all suggest that this variant is likely to be tolerated. ClinVar contains an entry for this variant (Variation ID: 1347189). This variant has not been reported in the literature in individuals affected with CAD-related conditions. This variant is present in population databases (no rsID available, gnomAD 0.006%).

NM_004341.5(CAD):c.3560A>G (p.His1187Arg)

Gene: CAD (carbamoyl-phosphate synthetase 2, aspartate transcarbamylase, and dihydroorotase; plus strand). Cytogenetic location: 2p23.3.
Variant type: single nucleotide variant.
Coding change: c.3560A>G on transcript NM_004341.5 (MANE Select); coding-DNA position 3560, A replaced by G.
Protein change: p.His1187Arg; replaces histidine 1187 with arginine.
Molecular consequence: missense variant.
Genome position (GRCh38, 1-based): chr2:27,234,168, A>G. VCF-style: chr2-27234168-A-G. GRCh37 (hg19) VCF-style: chr2-27457036-A-G.
Other names: c.3371A>G, p.His1124Arg (NM_001306079.2); short protein forms H1124R, H1187R.
Identifiers: ClinVar variation 1347189 (VCV001347189.8), dbSNP rs1298579480, ClinGen allele CA346215820.